The following is an entry in ClinVar:

ClinVar aggregate classification (germline): Uncertain significance (1 of 4 stars; one submission).

Submission:

Labcorp Genetics (formerly Invitae), Labcorp
Classification: Uncertain significance. Last evaluated: 2023-01-08. Review status: criteria provided, single submitter. Criteria: Invitae Variant Classification Sherloc (09022015). Collection method: clinical testing. Allele origin: germline.
Comment: In summary, the available evidence is currently insufficient to determine the role of this variant in disease. Therefore, it has been classified as a Variant of Uncertain Significance. Algorithms developed to predict the effect of missense changes on protein structure and function (SIFT, PolyPhen-2, Align-GVGD) all suggest that this variant is likely to be tolerated. This variant has not been reported in the literature in individuals affected with NIN-related conditions. This variant is not present in population databases (gnomAD no frequency). This sequence change replaces glutamic acid, which is acidic and polar, with glutamine, which is neutral and polar, at codon 739 of the NIN protein (p.Glu739Gln).

NM_020921.4(NIN):c.2215G>C (p.Glu739Gln)

Gene: NIN (ninein; minus strand). Cytogenetic location: 14q22.1.
Variant type: single nucleotide variant.
Coding change: c.2215G>C on transcript NM_020921.4 (MANE Select); coding-DNA position 2215, G replaced by C.
Protein change: p.Glu739Gln; replaces glutamic acid 739 with glutamine.
Molecular consequence: missense variant.
Genome position (GRCh38, 1-based): chr14:50,760,041, C>G on the plus strand (G>C on the coding strand, the complement: NIN is on the minus strand). VCF-style: chr14-50760041-C-G. GRCh37 (hg19) VCF-style: chr14-51226759-C-G.
Other names: c.2215G>C, p.Glu739Gln (NM_016350.5, NM_182944.3, NM_182946.2); short protein forms E739Q.
Identifiers: ClinVar variation 2827005 (VCV002827005.3), dbSNP rs2505886487, ClinGen allele CA389702118.